The following is an entry in ClinVar:

NM_033159.4(HYAL1):c.1159T>G (p.Phe387Val)

Gene: HYAL1 (hyaluronidase 1; minus strand). Cytogenetic location: 3p21.31.
Variant type: single nucleotide variant.
Coding change: c.1159T>G on transcript NM_033159.4 (MANE Select); coding-DNA position 1159, T replaced by G.
Protein change: p.Phe387Val; replaces phenylalanine 387 with valine.
Molecular consequence: missense variant. On other transcripts: non-coding transcript variant (1).
Genome position (GRCh38, 1-based): chr3:50,300,632, A>C on the plus strand (T>G on the coding strand, the complement: HYAL1 is on the minus strand). VCF-style: chr3-50300632-A-C. GRCh37 (hg19) VCF-style: chr3-50338063-A-C.
Other names: c.1159T>G, p.Phe387Val (NM_007312.3, NM_153281.2); c.1069T>G, p.Phe357Val (NM_153282.3); c.613T>G, p.Phe205Val (NM_153283.3); c.382T>G, p.Phe128Val (NM_153285.3); short protein forms F205V, F357V, F128V, F387V.
Identifiers: ClinVar variation 1979075 (VCV001979075.4), dbSNP rs782404568, ClinGen allele CA2415719.

ClinVar aggregate classification (germline): Uncertain significance (1 of 4 stars; one submission).

Conditions:
Deficiency of hyaluronoglucosaminidase (MPS9). Also called: MPS IX; Mucopolysaccharidosis type 9; HYALURONIDASE DEFICIENCY. Identifiers: Orphanet 67041, MedGen C1291490, MONDO:0011093, OMIM 601492.

Allele frequency attached by ClinVar (database versions not stated): TOPMed below 0.00001; ExAC 0.00001; gnomAD exomes 0.00001.
gnomAD v4.1: 4 of 1,614,138 alleles (0.00025%); highest among the groups gnomAD compares: Admixed American, 0.0017%; no homozygotes.

Submission:

Labcorp Genetics (formerly Invitae), Labcorp
Classification: Uncertain significance for Deficiency of hyaluronoglucosaminidase. Last evaluated: 2022-04-04. Review status: criteria provided, single submitter. Criteria: Invitae Variant Classification Sherloc (09022015). Collection method: clinical testing. Allele origin: germline.
Comment: This sequence change replaces phenylalanine, which is neutral and non-polar, with valine, which is neutral and non-polar, at codon 387 of the HYAL1 protein (p.Phe387Val). This variant is present in population databases (rs782404568, gnomAD 0.002%). This variant has not been reported in the literature in individuals affected with HYAL1-related conditions. Algorithms developed to predict the effect of missense changes on protein structure and function are either unavailable or do not agree on the potential impact of this missense change (SIFT: "Tolerated"; PolyPhen-2: "Probably Damaging"; Align-GVGD: "Class C0"). In summary, the available evidence is currently insufficient to determine the role of this variant in disease. Therefore, it has been classified as a Variant of Uncertain Significance.